The following is an entry in ClinVar:

NM_001148.6(ANK2):c.5311A>G (p.Lys1771Glu)

Genes: ANK2 (ankyrin 2; plus strand), LOC126807136 (MED14-independent group 3 enhancer GRCh37_chr4:114274931-114276130; plus strand). Cytogenetic location: 4q26.
Variant type: single nucleotide variant.
Coding change: c.5311A>G on transcript NM_001148.6 (MANE Select); coding-DNA position 5311, A replaced by G.
Protein change: p.Lys1771Glu; replaces lysine 1771 with glutamic acid.
Molecular consequence: missense variant. On other transcripts: intron variant (68).
Genome position (GRCh38, 1-based): chr4:113,353,929, A>G. VCF-style: chr4-113353929-A-G. GRCh37 (hg19) VCF-style: chr4-114275085-A-G.
Other names: c.4468+3680A>G (NM_001354242.2, NM_001354231.2); c.4471+3680A>G (NM_001386144.1, NM_001354240.2, NM_001354241.2); c.1990+3680A>G (NM_001354279.2, NM_001354282.2); c.1975+3680A>G (NM_001354280.2); c.1954+3680A>G (NM_001354278.2, NM_001354281.2); c.826+3680A>G (NM_001386167.1); c.4405+3680A>G (NM_001354230.2); c.5077A>G, p.Lys1693Glu (NM_001386142.1); and 35 more; short protein forms K571E, K1693E, K1771E, K1818E, K1810E.
Identifiers: ClinVar variation 3864520 (VCV003864520.2).
Genomic context (GRCh38, chr4:113,353,929, plus strand): 5'-GTCAAGGCCACATCTCCTTTGATAGAAGAAACTCCCATTGGTTCCATAAAGGACAAAGTA[A>G]AGGCCCTTCAGAAGCGAGTGGAAGATGAACAGAAAGGTCGAAGCAAGTTGCCCATCAGAG-3'
Protein context (NP_001139.3, residues 1761-1781): TPIGSIKDKV[Lys1771Glu]ALQKRVEDEQ

ClinVar aggregate classification (germline): Uncertain significance (1 of 4 stars; one submission).

Conditions:
Cardiovascular phenotype. Identifiers: MedGen CN230736.

Submission:

Ambry Genetics
Classification: Uncertain significance for Cardiovascular phenotype. Last evaluated: 2026-08-16. Review status: criteria provided, single submitter. Criteria: Ambry Variant Classification Scheme 2023. Collection method: clinical testing. Allele origin: germline.
Comment: The p.K1771E variant (also known as c.5311A>G), located in coding exon 38 of the ANK2 gene, results from an A to G substitution at nucleotide position 5311. The lysine at codon 1771 is replaced by glutamic acid, an amino acid with similar properties. This amino acid position is conserved. In addition, the in silico prediction for this alteration is inconclusive. Based on the available evidence, the clinical significance of this variant remains unclear.